The following is an entry in ClinVar:

ClinVar aggregate classification (germline): Benign (1 of 4 stars; one submission).

Conditions:
Hypoparathyroidism, deafness, renal disease syndrome (HDRS). Also called: HYPOPARATHYROIDISM, SENSORINEURAL DEAFNESS, AND RENAL DYSPLASIA SYNDROME. Identifiers: Orphanet 2237, MedGen C1840333, MONDO:0007797, OMIM 146255.

Allele frequency attached by ClinVar (database versions not stated): gnomAD 0.00077 and 0.00119; TOPMed 0.00179; 1000 Genomes Project 30x 0.00375; 1000 Genomes Project 0.00379.

Submission:

Illumina Laboratory Services, Illumina
Classification: Benign for Hypoparathyroidism, deafness, renal disease syndrome. Last evaluated: 2018-01-13. Review status: criteria provided, single submitter. Criteria: ICSL Variant Classification Criteria 13 December 2019. Collection method: clinical testing. Allele origin: germline.
Comment: This variant was observed in the ICSL laboratory as part of a predisposition screen in an ostensibly healthy population. It had not been previously curated by ICSL or reported in the Human Gene Mutation Database (HGMD: prior to June 1st, 2018), and was therefore a candidate for classification through an automated scoring system. Utilizing variant allele frequency, disease prevalence and penetrance estimates, and inheritance mode, an automated score was calculated to assess if this variant is too frequent to cause the disease. Based on the score and internal cut-off values, a variant classified as benign is not then subjected to further curation. The score for this variant resulted in a classification of benign for this disease.

NM_001002295.2(GATA3):c.-264G>T

Gene: GATA3 (GATA binding protein 3; plus strand). Cytogenetic location: 10p14.
Variant type: single nucleotide variant.
Coding change: c.-264G>T on transcript NM_001002295.2 (MANE Select); 264 bases upstream of the start codon, G replaced by T.
Molecular consequence: 5 prime UTR variant.
Genome position (GRCh38, 1-based): chr10:8,055,392, G>T. VCF-style: chr10-8055392-G-T. GRCh37 (hg19) VCF-style: chr10-8097355-G-T.
Other names: c.-264G>T (NM_002051.3).
Identifiers: ClinVar variation 301108 (VCV000301108.5), dbSNP rs35971003, ClinGen allele CA10632547.